The following is an entry in ClinVar:

NM_005428.4(VAV1):c.2211G>C (p.Gly737=)

Gene: VAV1 (vav guanine nucleotide exchange factor 1; plus strand). Cytogenetic location: 19p13.3.
Variant type: single nucleotide variant.
Coding change: c.2211G>C on transcript NM_005428.4 (MANE Select); coding-DNA position 2211, G replaced by C.
Protein change: p.Gly737=; no amino-acid change (glycine 737 retained).
Molecular consequence: synonymous variant.
Genome position (GRCh38, 1-based): chr19:6,850,751, G>C. VCF-style: chr19-6850751-G-C. GRCh37 (hg19) VCF-style: chr19-6850762-G-C.
Other names: c.2145G>C, p.Gly715= (NM_001258206.2); c.2115G>C, p.Gly705= (NM_001258207.2).
Identifiers: ClinVar variation 713538 (VCV000713538.12), dbSNP rs146975138, ClinGen allele CA9132890.

ClinVar aggregate classification (germline): Benign. Review status: criteria provided, single submitter (1 of 4 stars). 2 submissions from 2 submitters: Benign (1). 1 of the submissions does not count toward it. Last evaluated 2026-01-28.

Conditions:
VAV1-related disorder. Also called: VAV1-related condition.

Allele frequency attached by ClinVar (database versions not stated): TOPMed 0.00028; ESP Exome Variant Server 0.00031; gnomAD 0.00035; gnomAD exomes 0.00130 and 0.00272; 1000 Genomes Project 30x 0.00718; ExAC 0.00296; 1000 Genomes Project 0.00659.
gnomAD v4.1: 2,093 of 1,613,994 alleles (0.13%); highest among the groups gnomAD compares: South Asian, 2%; 39 homozygotes.

Submissions (2):

Labcorp Genetics (formerly Invitae), Labcorp
Classification: Benign. Last evaluated: 2026-01-28. Review status: criteria provided, single submitter. Criteria: Invitae Variant Classification Sherloc (09022015). Collection method: clinical testing. Allele origin: germline.

PreventionGenetics, part of Exact Sciences
Classification: Benign for VAV1-related condition. Last evaluated: 2024-01-10. Review status: no assertion criteria provided. Collection method: clinical testing. Allele origin: germline. Not counted in ClinVar's aggregate classification.
Comment: This variant is classified as benign based on ACMG/AMP sequence variant interpretation guidelines (Richards et al. 2015 PMID: 25741868, with internal and published modifications).